The following is an entry in ClinVar:

ClinVar aggregate classification (germline): Uncertain significance (1 of 4 stars; one submission).

Conditions:
Gnathodiaphyseal dysplasia (GDD). Also called: GNATHODIAPHYSEAL SCLEROSIS; OSTEOGENESIS IMPERFECTA WITH UNUSUAL SKELETAL LESIONS. Identifiers: Orphanet 53697, MedGen C1833736, MONDO:0008151, OMIM 166260.
Autosomal recessive limb-girdle muscular dystrophy type 2L (LGMDR12). Also called: Limb-girdle muscular dystrophy, type 2L; Limb-Girdle Muscular Dystrophy R12 Anoctamin-5-Related (LGMD-R12); MUSCULAR DYSTROPHY, LIMB-GIRDLE, AUTOSOMAL RECESSIVE 12. Identifiers: Orphanet 206549, MedGen C1969785, MONDO:0012652, OMIM 611307.

Submission:

Labcorp Genetics (formerly Invitae), Labcorp
Classification: Uncertain significance for Autosomal recessive limb-girdle muscular dystrophy type 2L; Gnathodiaphyseal dysplasia. Last evaluated: 2021-03-26. Review status: criteria provided, single submitter. Criteria: Invitae Variant Classification Sherloc (09022015). Collection method: clinical testing. Allele origin: germline.
Comment: Algorithms developed to predict the effect of missense changes on protein structure and function (SIFT, PolyPhen-2, Align-GVGD) all suggest that this variant is likely to be tolerated, but these predictions have not been confirmed by published functional studies and their clinical significance is uncertain. In summary, the available evidence is currently insufficient to determine the role of this variant in disease. Therefore, it has been classified as a Variant of Uncertain Significance. This sequence change replaces glutamic acid with glutamine at codon 8 of the ANO5 protein (p.Glu8Gln). The glutamic acid residue is weakly conserved and there is a small physicochemical difference between glutamic acid and glutamine. This variant is not present in population databases (ExAC no frequency). This variant has not been reported in the literature in individuals with ANO5-related conditions.

NM_213599.3(ANO5):c.22G>C (p.Glu8Gln)

Gene: ANO5 (anoctamin 5; plus strand). Cytogenetic location: 11p14.3.
Variant type: single nucleotide variant.
Coding change: c.22G>C on transcript NM_213599.3 (MANE Select); coding-DNA position 22, G replaced by C.
Protein change: p.Glu8Gln; replaces glutamic acid 8 with glutamine.
Molecular consequence: missense variant.
Genome position (GRCh38, 1-based): chr11:22,193,514, G>C. VCF-style: chr11-22193514-G-C. GRCh37 (hg19) VCF-style: chr11-22215060-G-C.
Other names: c.22G>C, p.Glu8Gln (NM_001142649.2); short protein forms E8Q.
Identifiers: ClinVar variation 1444713 (VCV001444713.8), dbSNP rs1191668273, ClinGen allele CA379921913.
Genomic context (GRCh38, chr11:22,193,514, plus strand): 5'-TGCCTCTCAGGCACCAGTGCCATTAACGAGCTGGCGAAGATGGGCGACCCGGATCTCCTG[G>C]AAGTGTTGGCGGAGGAAGGTAGGACCGCGCCAAGAGGCGTCAAGGGAGAGCCAGGCTGGC-3'
Protein context (NP_998764.1, residues 1-18): MGDPDLL[Glu8Gln]VLAEEGEKVN